The following is an entry in ClinVar:

ClinVar aggregate classification (germline): Uncertain significance (1 of 4 stars; one submission).

Conditions:
Primary ciliary dyskinesia. Also called: Ciliary dyskinesia. Identifiers: Orphanet 244, MedGen C0008780, MONDO:0016575, HP:0012265.

Submission:

Labcorp Genetics (formerly Invitae), Labcorp
Classification: Uncertain significance for Primary ciliary dyskinesia. Last evaluated: 2017-05-03. Review status: criteria provided, single submitter. Criteria: Invitae Variant Classification Sherloc (09022015). Collection method: clinical testing. Allele origin: germline.
Comment: In summary, this variant is a rare missense change with uncertain impact on protein function. While it is absent from the population and reported in affected individuals, the available evidence is currently insufficient to determine its role in disease. Therefore, it has been classified as a Variant of Uncertain Significance. Algorithms developed to predict the effect of missense changes on protein structure and function (SIFT, PolyPhen-2, Align-GVGD) all suggest that this variant is likely to be disruptive, but these predictions have not been confirmed by published functional studies. While it is unknown if these two variants are on the same or opposite chromosomes, this observation suggests the c.327T>G substitution may contribute to the cause of disease. This variant is not present in population databases (ExAC no frequency). This sequence change replaces asparagine with lysine at codon 109 of the DNAAF1 protein (p.Asn109Lys). The asparagine residue is highly conserved and there is a moderate physicochemical difference between asparagine and lysine.

NM_178452.6(DNAAF1):c.327T>G (p.Asn109Lys)

Gene: DNAAF1 (dynein axonemal assembly factor 1; plus strand). Cytogenetic location: 16q24.1.
Variant type: single nucleotide variant.
Coding change: c.327T>G on transcript NM_178452.6 (MANE Select); coding-DNA position 327, T replaced by G.
Protein change: p.Asn109Lys; replaces asparagine 109 with lysine.
Molecular consequence: missense variant.
Genome position (GRCh38, 1-based): chr16:84,150,317, T>G. VCF-style: chr16-84150317-T-G. GRCh37 (hg19) VCF-style: chr16-84183922-T-G.
Other names: short protein forms N109K.
Identifiers: ClinVar variation 455004 (VCV000455004.9), dbSNP rs149063283, ClinGen allele CA396940865.